The following is an entry in ClinVar:

ClinVar aggregate classification (germline): Uncertain significance (1 of 4 stars; one submission).

Conditions:
Hypertrophic cardiomyopathy. Also called: HYPERTROPHIC MYOCARDIOPATHY. Identifiers: Orphanet 217569, MedGen C0007194, MeSH D002312, MONDO:0005045, HP:0001639.

Submission:

Labcorp Genetics (formerly Invitae), Labcorp
Classification: Uncertain significance for Hypertrophic cardiomyopathy. Last evaluated: 2021-08-04. Review status: criteria provided, single submitter. Criteria: Invitae Variant Classification Sherloc (09022015). Collection method: clinical testing. Allele origin: germline.
Comment: This sequence change replaces leucine with valine at codon 277 of the MYH7 protein (p.Leu277Val). The leucine residue is highly conserved and there is a small physicochemical difference between leucine and valine. This variant is not present in population databases (ExAC no frequency). This missense change has been observed in individual(s) with MYH7-related conditions (PMID: 30731207; Invitae). Algorithms developed to predict the effect of missense changes on protein structure and function are either unavailable or do not agree on the potential impact of this missense change (SIFT: "Deleterious"; PolyPhen-2: "Possibly Damaging"; Align-GVGD: "Class C0"). Algorithms developed to predict the effect of sequence changes on RNA splicing suggest that this variant may create or strengthen a splice site. This variant is found within a region of MYH7 between codons 181 and 937 that contains the majority of the myosin head domain. Missense variants in this region have been shown to be significantly overrepresented in individuals with hypertrophic cardiomyopathy (PMID: 27532257). In summary, the available evidence is currently insufficient to determine the role of this variant in disease. Therefore, it has been classified as a Variant of Uncertain Significance.

Literature cited by the submitters: PubMed 30731207; PubMed 27532257.

NM_000257.4(MYH7):c.829C>G (p.Leu277Val)

Gene: MYH7 (myosin heavy chain 7; minus strand). Cytogenetic location: 14q11.2.
Variant type: single nucleotide variant.
Coding change: c.829C>G on transcript NM_000257.4 (MANE Select); coding-DNA position 829, C replaced by G.
Protein change: p.Leu277Val; replaces leucine 277 with valine.
Molecular consequence: missense variant.
Genome position (GRCh38, 1-based): chr14:23,430,967, G>C on the plus strand (C>G on the coding strand, the complement: MYH7 is on the minus strand). VCF-style: chr14-23430967-G-C. GRCh37 (hg19) VCF-style: chr14-23900176-G-C.
Other names: short protein forms L277V.
Identifiers: ClinVar variation 1478511 (VCV001478511.6), dbSNP rs786204367, ClinGen allele CA016861.